The following is an entry in ClinVar:

ClinVar aggregate classification (germline): Pathogenic (1 of 4 stars; one submission).

Conditions:
Meckel-Gruber syndrome. Also called: GRUBER SYNDROME; DYSENCEPHALIA SPLANCHNOCYSTICA; Dysencephalia splachnocystica. Identifiers: Orphanet 564, MedGen C0265215, MONDO:0018921.
Joubert syndrome. Also called: Familial aplasia of the vermis; JOUBERT-BOLTSHAUSER SYNDROME; CEREBELLOPARENCHYMAL DISORDER IV. Identifiers: Orphanet 475, MedGen C5979921, MONDO:0018772.

Submission:

Labcorp Genetics (formerly Invitae), Labcorp
Classification: Pathogenic for Joubert syndrome; Meckel-Gruber syndrome. Last evaluated: 2026-01-11. Review status: criteria provided, single submitter. Criteria: Invitae Variant Classification Sherloc (09022015). Collection method: clinical testing. Allele origin: germline.
Comment: This sequence change creates a premature translational stop signal (p.Pro1089Glnfs*45) in the RPGRIP1L gene. It is expected to result in an absent or disrupted protein product. Loss-of-function variants in RPGRIP1L are known to be pathogenic (PMID: 17558409). This variant is not present in population databases (gnomAD no frequency). This variant has not been reported in the literature in individuals affected with RPGRIP1L-related conditions. For these reasons, this variant has been classified as Pathogenic.

Literature cited by the submitters: PubMed 17558409.

NM_015272.5(RPGRIP1L):c.3266del (p.Pro1089fs)

Gene: RPGRIP1L (RPGRIP1 like; minus strand). Cytogenetic location: 16q12.2.
Variant type: Deletion.
Coding change: c.3266del on transcript NM_015272.5 (MANE Select); coding-DNA position 3266, one base deleted (C; older notation c.3266delC).
Protein change: p.Pro1089fs; shifts the reading frame from proline 1089.
Molecular consequence: frameshift variant.
Genome position (GRCh38, 1-based): chr16:53,636,467, G deleted on the plus strand (C on the coding strand, the reverse complement: RPGRIP1L is on the minus strand); the first of 2 consecutive G bases (chr16:53,636,467-53,636,468); deleting either gives the same sequence. VCF-style (leftmost placement, unchanged base first): chr16-53636466-TG-T. GRCh37 (hg19) VCF-style: chr16-53670378-TG-T.
Other names: c.3164del, p.Pro1055fs (NM_001127897.4, NM_001330538.2); c.3266del, p.Pro1089fs (NM_001308334.3); short protein forms P1055fs, P1089fs.
Identifiers: ClinVar variation 4787229 (VCV004787229.1).